The following is an entry in ClinVar:

ClinVar aggregate classification (germline): Likely pathogenic (1 of 4 stars; one submission).

Conditions:
Aicardi-Goutieres syndrome 5. Identifiers: Orphanet 51, MedGen C2749659, MONDO:0013059, OMIM 612952.

Submissions (2):

Labcorp Genetics (formerly Invitae), Labcorp
Classification: Likely pathogenic for Aicardi-Goutieres syndrome 5. Last evaluated: 2025-11-03. Review status: criteria provided, single submitter. Criteria: Invitae Variant Classification Sherloc (09022015). Collection method: clinical testing. Allele origin: germline.
Comment: This sequence change affects codon 536 of the SAMHD1 mRNA. It is a 'silent' change, meaning that it does not change the encoded amino acid sequence of the SAMHD1 protein. This variant also falls at the last nucleotide of exon 14, which is part of the consensus splice site for this exon. This variant is not present in population databases (gnomAD no frequency). This variant has been observed in individual(s) with clinical features of Aicardi-Goutieres syndrome (internal data). In at least one individual the data is consistent with being in trans (on the opposite chromosome) from a pathogenic variant. It has also been observed to segregate with disease in related individuals. ClinVar contains an entry for this variant (Variation ID: 1024222). Variants that disrupt the consensus splice site are a relatively common cause of aberrant splicing (PMID: 17576681, 9536098). Algorithms developed to predict the effect of sequence changes on RNA splicing suggest that this variant may disrupt the consensus splice site. In summary, the currently available evidence indicates that the variant is pathogenic, but additional data are needed to prove that conclusively. Therefore, this variant has been classified as Likely Pathogenic.

Dr. Peter K. Rogan Lab, Western University
No classification provided (evidence only). Condition: Melanoma. Review status: no classification provided. Collection method: in vitro. Allele origin: not applicable. Functional consequence: skipped exon. Not counted in ClinVar's aggregate classification.

Literature cited by the submitters: PubMed 17576681 (cited by Labcorp Genetics (formerly Invitae), Labcorp); PubMed 9536098 (cited by Labcorp Genetics (formerly Invitae), Labcorp).

NM_015474.4(SAMHD1):c.1608G>A (p.Gln536=)

Gene: SAMHD1 (SAM and HD domain containing deoxynucleoside triphosphate triphosphohydrolase 1; minus strand). Cytogenetic location: 20q11.23.
Variant type: single nucleotide variant.
Coding change: c.1608G>A on transcript NM_015474.4 (MANE Select); coding-DNA position 1608, G replaced by A.
Protein change: p.Gln536=; no amino-acid change (glutamine 536 retained).
Molecular consequence: synonymous variant. On other transcripts: intron variant (1).
Genome position (GRCh38, 1-based): chr20:36,898,440, C>T on the plus strand (G>A on the coding strand, the complement: SAMHD1 is on the minus strand). VCF-style: chr20-36898440-C-T. GRCh37 (hg19) VCF-style: chr20-35526843-C-T.
Other names: c.1608G>A, p.Gln536= (NM_001363733.2); c.1504-481G>A (NM_001363729.2).
Identifiers: ClinVar variation 1024222 (VCV001024222.9), dbSNP rs1990238054, ClinGen allele CA510388761.